The following is an entry in ClinVar:

ClinVar aggregate classification (germline): Benign/Likely benign. Review status: criteria provided, multiple submitters, no conflicts (2 of 4 stars). 3 submissions from 3 submitters: Benign (1); Likely benign (2). Last evaluated 2024-07-19.

Conditions:
Familial cancer of breast. Also called: BREAST CANCER, FAMILIAL; Hereditary breast cancer; hereditary breast carcinoma. Identifiers: Orphanet 227535, MedGen C0346153, MONDO:0016419, OMIM 114480. Disease mechanism: loss of function.
Hereditary cancer-predisposing syndrome. Also called: Neoplastic Syndromes, Hereditary; Tumor predisposition; Hereditary neoplastic syndrome; Hereditary Cancer Syndrome. Identifiers: Orphanet 140162, MedGen C0027672, MeSH D009386, MONDO:0015356.

Allele frequency attached by ClinVar (database versions not stated): gnomAD exomes below 0.00001.
gnomAD v4.1: 1 of 1,611,906 alleles (0.000062%); highest among the groups gnomAD compares: Non-Finnish European, 0.000085%; no homozygotes.

Submissions (3):

Myriad Genetics, Inc.
Classification: Benign for Familial cancer of breast. Last evaluated: 2024-07-19. Review status: criteria provided, single submitter. Criteria: Myriad Autosomal Dominant, Autosomal Recessive and X-Linked Classification Criteria (2023). Collection method: clinical testing. Allele origin: unknown.
Comment: This variant is considered benign. This variant is a silent/synonymous amino acid change and it is not expected to impact splicing.

Ambry Genetics
Classification: Likely benign for Hereditary cancer-predisposing syndrome. Last evaluated: 2023-07-05. Review status: criteria provided, single submitter. Criteria: Ambry Variant Classification Scheme 2023. Collection method: clinical testing. Allele origin: germline.

Color Diagnostics, LLC DBA Color Health
Classification: Likely benign for Hereditary cancer-predisposing syndrome. Last evaluated: 2018-06-12. Review status: criteria provided, single submitter. Criteria: ACMG Guidelines, 2015. Collection method: clinical testing. Allele origin: germline.

NM_000465.4(BARD1):c.301C>T (p.Leu101=)

Gene: BARD1 (BRCA1 associated RING domain 1; minus strand). Cytogenetic location: 2q35.
Variant type: single nucleotide variant.
Coding change: c.301C>T on transcript NM_000465.4 (MANE Select); coding-DNA position 301, C replaced by T.
Protein change: p.Leu101=; no amino-acid change (leucine 101 retained).
Molecular consequence: synonymous variant. On other transcripts: non-coding transcript variant (1), intron variant (2).
Genome position (GRCh38, 1-based): chr2:214,792,360, G>A on the plus strand (C>T on the coding strand, the complement: BARD1 is on the minus strand). VCF-style: chr2-214792360-G-A. GRCh37 (hg19) VCF-style: chr2-215657084-G-A.
Other names: c.244C>T, p.Leu82= (NM_001282543.2); c.301C>T, p.Leu101= (NM_001282549.2); c.158+17052C>T (NM_001282548.2); c.215+4701C>T (NM_001282545.2); c.301C>T (NM_000465.2).
Identifiers: ClinVar variation 628691 (VCV000628691.5), dbSNP rs1559436974, ClinGen allele CA431141823.